The following is an entry in ClinVar:

ClinVar aggregate classification (germline): Uncertain significance (1 of 4 stars; one submission).

Submission:

GeneDx
Classification: Uncertain significance. Last evaluated: 2024-07-15. Review status: criteria provided, single submitter. Criteria: GeneDx Variant Classification Process June 2021. Collection method: clinical testing. Allele origin: germline. Affected: yes.
Comment: Not observed at significant frequency in large population cohorts (gnomAD); In silico analysis supports that this missense variant has a deleterious effect on protein structure/function; Has not been previously published as pathogenic or benign to our knowledge

NM_003070.5(SMARCA2):c.3947A>C (p.Tyr1316Ser)

Gene: SMARCA2 (SWI/SNF related BAF chromatin remodeling complex subunit ATPase 2; plus strand). Cytogenetic location: 9p24.3.
Variant type: single nucleotide variant.
Coding change: c.3947A>C on transcript NM_003070.5 (MANE Select); coding-DNA position 3947, A replaced by C.
Protein change: p.Tyr1316Ser; replaces tyrosine 1316 with serine.
Molecular consequence: missense variant.
Genome position (GRCh38, 1-based): chr9:2,123,903, A>C. VCF-style: chr9-2123903-A-C. GRCh37 (hg19) VCF-style: chr9-2123903-A-C.
Other names: c.3947A>C, p.Tyr1316Ser (NM_001289396.2, NM_139045.4); c.3773A>C, p.Tyr1258Ser (NM_001289397.2); short protein forms Y1258S, Y1316S.
Identifiers: ClinVar variation 3573828 (VCV003573828.1).